The following is an entry in ClinVar:

NM_016373.4(WWOX):c.629A>G (p.Asn210Ser)

Gene: WWOX (WW domain containing oxidoreductase; plus strand). Cytogenetic location: 16q23.1.
Variant type: single nucleotide variant.
Coding change: c.629A>G on transcript NM_016373.4 (MANE Select); coding-DNA position 629, A replaced by G.
Protein change: p.Asn210Ser; replaces asparagine 210 with serine.
Molecular consequence: missense variant.
Genome position (GRCh38, 1-based): chr16:78,424,893, A>G. VCF-style: chr16-78424893-A-G. GRCh37 (hg19) VCF-style: chr16-78458790-A-G.
Other names: c.290A>G, p.Asn97Ser (NM_001291997.2); short protein forms N97S, N210S.
Identifiers: ClinVar variation 684537 (VCV000684537.6), dbSNP rs767929766, ClinGen allele CA8183394.

ClinVar aggregate classification (germline): Uncertain significance (1 of 4 stars; one submission).

Conditions:
Autosomal recessive spinocerebellar ataxia 12. Also called: SPINOCEREBELLAR ATAXIA WITH MENTAL RETARDATION AND EPILEPSY. Identifiers: Orphanet 284282, MedGen C3280452, MONDO:0013687, OMIM 614322.
Developmental and epileptic encephalopathy, 1 (DEE1). Also called: Epileptic encephalopathy, early infantile, 1; X-linked infantile spasms; West's syndrome; Tonic spasms with clustering, arrest of psychomotor development and hypsarrhythmia on EEG; X-Linked Infantile Spasm Syndrome; OHTAHARA SYNDROME, X-LINKED. Identifiers: MedGen C3463992, MONDO:0010632, OMIM 308350. Disease mechanism: loss of function.

Allele frequency attached by ClinVar (database versions not stated): ExAC 0.00002; gnomAD exomes below 0.00001; TOPMed 0.00001.
gnomAD v4.1: 4 of 1,614,064 alleles (0.00025%); highest among the groups gnomAD compares: African/African-American, 0.0027%; no homozygotes.

Submission:

Labcorp Genetics (formerly Invitae), Labcorp
Classification: Uncertain significance for Developmental and epileptic encephalopathy, 1; Autosomal recessive spinocerebellar ataxia 12. Last evaluated: 2021-08-26. Review status: criteria provided, single submitter. Criteria: Invitae Variant Classification Sherloc (09022015). Collection method: clinical testing. Allele origin: germline.